The following is an entry in ClinVar:

ClinVar aggregate classification (germline): Uncertain significance (1 of 4 stars; one submission).

Conditions:
Hereditary spastic paraplegia 30. Identifiers: Orphanet 101010, MedGen C5235139, MONDO:0012476.
Neuropathy, hereditary sensory, type 2C. Also called: Hereditary sensory and autonomic neuropathy type IIC; KIF1A-Related HSAN2 (HSAN2C). Identifiers: Orphanet 970, MedGen C3280168, MONDO:0013634, OMIM 614213.
Intellectual disability, autosomal dominant 9 (NESCAVS). Also called: NESCAV SYNDROME; KIF1A-Related Neurodevelopmental Disorder. Identifiers: Orphanet 662367, MedGen C5393830, MONDO:0013656, OMIM 614255.

Submission:

Labcorp Genetics (formerly Invitae), Labcorp
Classification: Uncertain significance for Hereditary spastic paraplegia 30; Neuropathy, hereditary sensory, type 2C; Intellectual disability, autosomal dominant 9. Last evaluated: 2022-10-18. Review status: criteria provided, single submitter. Criteria: Invitae Variant Classification Sherloc (09022015). Collection method: clinical testing. Allele origin: germline.
Comment: In summary, the available evidence is currently insufficient to determine the role of this variant in disease. Therefore, it has been classified as a Variant of Uncertain Significance. Variants that disrupt the consensus splice site are a relatively common cause of aberrant splicing (PMID: 17576681, 9536098). Algorithms developed to predict the effect of sequence changes on RNA splicing suggest that this variant may disrupt the consensus splice site. This variant has not been reported in the literature in individuals affected with KIF1A-related conditions. This variant is not present in population databases (gnomAD no frequency). This sequence change falls in intron 25 of the KIF1A gene. It does not directly change the encoded amino acid sequence of the KIF1A protein. It affects a nucleotide within the consensus splice site.

Literature cited by the submitters: PubMed 17576681; PubMed 9536098.

NM_001244008.2(KIF1A):c.2978-3del

Gene: KIF1A (kinesin family member 1A; minus strand). Cytogenetic location: 2q37.3.
Variant type: Deletion.
Coding change: c.2978-3del on transcript NM_001244008.2 (MANE Select); 3 bases into the intron before coding-DNA position 2978, one base deleted (C; older notation c.2978-3delC).
Molecular consequence: intron variant.
Genome position (GRCh38, 1-based): chr2:240,747,324, G deleted on the plus strand (C on the coding strand, the reverse complement: KIF1A is on the minus strand). VCF-style (leftmost placement, unchanged base first): chr2-240747323-TG-T. GRCh37 (hg19) VCF-style: chr2-241686740-TG-T.
Other names: c.2675-3del (NM_001379653.1, NM_001379650.1, NM_001379640.1 and 6 more transcripts); c.2951-3del (NM_001379645.1, NM_001379633.1, NM_001379642.1); c.2777-3del (NM_001379635.1, NM_001330290.2, NM_001379646.1 and 1 more transcripts); c.2927-3del (NM_001379632.1); c.2750-3del (NM_001379637.1, NM_001379648.1); c.2702-3del (NM_001320705.2, NM_001379638.1, NM_001330289.2); c.3053-3del (NM_001379631.1).
Identifiers: ClinVar variation 2009558 (VCV002009558.4), dbSNP rs2537328581, ClinGen allele CA2580068114.